The following is an entry in ClinVar:

ClinVar aggregate classification (germline): Likely benign. Review status: criteria provided, multiple submitters, no conflicts (2 of 4 stars). 7 submissions from 7 submitters: Likely benign (7). Last evaluated 2025-09-22.

Conditions:
Multiple endocrine neoplasia, type 2 (MEN2). Identifiers: Orphanet 653, MedGen C4048306, MONDO:0019003. Disease mechanism: gain of function.
Hereditary cancer-predisposing syndrome. Also called: Neoplastic Syndromes, Hereditary; Tumor predisposition; Hereditary neoplastic syndrome; Hereditary Cancer Syndrome. Identifiers: Orphanet 140162, MedGen C0027672, MeSH D009386, MONDO:0015356.

Allele frequency attached by ClinVar (database versions not stated): gnomAD exomes 0.00001; TOPMed 0.00001; ExAC 0.00002; gnomAD 0.00002.
gnomAD v4.1: 22 of 1,614,052 alleles (0.0014%); highest among the groups gnomAD compares: Non-Finnish European, 0.0018%; no homozygotes.

Submissions (7):

Labcorp Genetics (formerly Invitae), Labcorp
Classification: Likely benign for Multiple endocrine neoplasia, type 2. Last evaluated: 2025-09-22. Review status: criteria provided, single submitter. Criteria: Invitae Variant Classification Sherloc (09022015). Collection method: clinical testing. Allele origin: germline.

ARUP Laboratories, Molecular Genetics and Genomics, ARUP Laboratories
Classification: Likely benign. Last evaluated: 2025-04-17. Review status: criteria provided, single submitter. Criteria: ARUP Molecular Germline Variant Investigation Process 2024. Collection method: clinical testing. Allele origin: germline.

CeGaT Center for Human Genetics Tuebingen
Classification: Likely benign. Last evaluated: 2025-01-01. Review status: criteria provided, single submitter. Criteria: CeGaT Center For Human Genetics Tuebingen Variant Classification Criteria Version 2. Collection method: clinical testing. Allele origin: germline. Affected: yes. Observed: 1 variant allele.
Comment: RET: BP4, BP7

Blueprint Genetics
Classification: Likely benign. Last evaluated: 2024-05-13. Review status: criteria provided, single submitter. Criteria: ACMG Guidelines, 2015. Collection method: clinical testing. Allele origin: germline.

All of Us Research Program, National Institutes of Health
Classification: Likely benign for Multiple endocrine neoplasia, type 2. Last evaluated: 2023-10-06. Review status: criteria provided, single submitter. Criteria: ACMG Guidelines, 2015. Collection method: clinical testing. Allele origin: germline. Inheritance: Autosomal dominant inheritance. Observed: 1 variant allele, 1 heterozygote.
Comment: This study involves interpretation of variants in research participants for the purpose of population health screening. Participant phenotype was not available at the time of variant classification. Additional details can be found in publication PMID: 35346344, PMCID: PMC8962531

Color Diagnostics, LLC DBA Color Health
Classification: Likely benign for Multiple endocrine neoplasia, type 2. Last evaluated: 2022-11-06. Review status: criteria provided, single submitter. Criteria: ACMG Guidelines, 2015. Collection method: clinical testing. Allele origin: germline.

Ambry Genetics
Classification: Likely benign for Hereditary cancer-predisposing syndrome. Last evaluated: 2020-03-30. Review status: criteria provided, single submitter. Criteria: Ambry Variant Classification Scheme 2023. Collection method: clinical testing. Allele origin: germline.

NM_020975.6(RET):c.1326G>A (p.Leu442=)

Gene: RET (ret proto-oncogene; plus strand). Cytogenetic location: 10q11.21.
Variant type: single nucleotide variant.
Coding change: c.1326G>A on transcript NM_020975.6 (MANE Select); coding-DNA position 1326, G replaced by A.
Protein change: p.Leu442=; no amino-acid change (leucine 442 retained).
Molecular consequence: synonymous variant. On other transcripts: intron variant (15).
Genome position (GRCh38, 1-based): chr10:43,111,269, G>A. VCF-style: chr10-43111269-G-A. GRCh37 (hg19) VCF-style: chr10-43606717-G-A.
Other names: c.1326G>A, p.Leu442= (NM_000323.2, NM_001406743.1, NM_001406744.1 and 6 more transcripts); c.564G>A, p.Leu188= (NM_001355216.2); c.1197G>A, p.Leu399= (NM_001406761.1, NM_001406762.1, NM_001406764.1 and 1 more transcripts); c.1038G>A, p.Leu346= (NM_001406766.1, NM_001406767.1, NM_001406770.1); c.930G>A, p.Leu310= (NM_001406769.1, NM_001406772.1); c.888G>A, p.Leu296= (NM_001406771.1, NM_001406773.1); c.801G>A, p.Leu267= (NM_001406774.1); c.600G>A, p.Leu200= (NM_001406775.1, NM_001406776.1, NM_001406777.1 and 1 more transcripts); and 5 more.
Identifiers: ClinVar variation 1077584 (VCV001077584.29), dbSNP rs746055866, ClinGen allele CA033085.